The following is an entry in ClinVar:

ClinVar aggregate classification (germline): Uncertain significance. Review status: criteria provided, multiple submitters, no conflicts (2 of 4 stars). 3 submissions from 3 submitters: Uncertain significance (3). Last evaluated 2024-01-22.

Conditions:
Hereditary cancer-predisposing syndrome. Also called: Neoplastic Syndromes, Hereditary; Tumor predisposition; Hereditary Cancer Syndrome; Hereditary neoplastic syndrome. Identifiers: Orphanet 140162, MedGen C0027672, MeSH D009386, MONDO:0015356.
Fanconi anemia (FA). Also called: Fanconi's anemia. Identifiers: Orphanet 84, MedGen C0015625, MeSH D005199, MONDO:0019391.
Fanconi anemia complementation group C (FANCC). Also called: Fanconi anemia, group C; FANCC-Related Fanconi Anemia; FANCONI PANCYTOPENIA, TYPE 3; FACC. Identifiers: Orphanet 84, MedGen C3468041, MONDO:0009213, OMIM 227645.

Allele frequency attached by ClinVar (database versions not stated): TOPMed below 0.00001; ExAC 0.00001; gnomAD exomes 0.00001 and 0.00002.
gnomAD v4.1: 4 of 1,611,228 alleles (0.00025%); highest among the groups gnomAD compares: East Asian, 0.0067%; no homozygotes.

Submissions (3):

Labcorp Genetics (formerly Invitae), Labcorp
Classification: Uncertain significance for Fanconi anemia. Last evaluated: 2024-01-22. Review status: criteria provided, single submitter. Criteria: Invitae Variant Classification Sherloc (09022015). Collection method: clinical testing. Allele origin: germline.
Comment: This sequence change replaces glutamic acid, which is acidic and polar, with glutamine, which is neutral and polar, at codon 218 of the FANCC protein (p.Glu218Gln). This variant is present in population databases (rs752339229, gnomAD 0.03%). This variant has not been reported in the literature in individuals affected with FANCC-related conditions. ClinVar contains an entry for this variant (Variation ID: 456165). Advanced modeling of protein sequence and biophysical properties (such as structural, functional, and spatial information, amino acid conservation, physicochemical variation, residue mobility, and thermodynamic stability) performed at Invitae indicates that this missense variant is not expected to disrupt FANCC protein function with a negative predictive value of 80%. In summary, the available evidence is currently insufficient to determine the role of this variant in disease. Therefore, it has been classified as a Variant of Uncertain Significance.

Ambry Genetics
Classification: Uncertain significance for Hereditary cancer-predisposing syndrome. Last evaluated: 2023-12-06. Review status: criteria provided, single submitter. Criteria: Ambry Variant Classification Scheme 2023. Collection method: clinical testing. Allele origin: germline.
Comment: The p.E218Q variant (also known as c.652G>C), located in coding exon 6 of the FANCC gene, results from a G to C substitution at nucleotide position 652. The glutamic acid at codon 218 is replaced by glutamine, an amino acid with highly similar properties. This amino acid position is well conserved in available vertebrate species. In addition, this alteration is predicted to be tolerated by in silico analysis. Since supporting evidence is limited at this time, the clinical significance of this alteration remains unclear.

Fulgent Genetics
Classification: Uncertain significance for Fanconi anemia complementation group C. Last evaluated: 2022-04-19. Review status: criteria provided, single submitter. Criteria: ACMG Guidelines, 2015. Collection method: clinical testing. Allele origin: unknown.

NM_000136.3(FANCC):c.652G>C (p.Glu218Gln)

Genes: AOPEP (aminopeptidase O (putative); plus strand), FANCC (FA complementation group C; minus strand). Cytogenetic location: 9q22.32.
Variant type: single nucleotide variant.
Coding change: c.652G>C on transcript NM_000136.3 (MANE Select); coding-DNA position 652, G replaced by C.
Protein change: p.Glu218Gln; replaces glutamic acid 218 with glutamine.
Molecular consequence: missense variant.
Genome position (GRCh38, 1-based): chr9:95,149,957, C>G on the plus strand (G>C on the coding strand, the complement: FANCC is on the minus strand). VCF-style: chr9-95149957-C-G. GRCh37 (hg19) VCF-style: chr9-97912239-C-G.
Other names: c.652G>C, p.Glu218Gln (NM_001243743.2, NM_001243744.2); short protein forms E218Q.
Identifiers: ClinVar variation 456165 (VCV000456165.17), dbSNP rs752339229, ClinGen allele CA5137677.
Genomic context (GRCh38, chr9:95,149,957, plus strand): 5'-GATGACAGGAAACATTTGCCACTTACAGCAAAATGGCCTCGTTTACAGCCTCAAAGAACT[C>G]TGGCTGGAGGATTTCCTGAGGTTCACGTCCATGACAGATGAGGAGAGCCTCCACCAGGGG-3'
Protein context (NP_000127.2, residues 208-228): GREPQEILQP[Glu218Gln]FFEAVNEAIL